The following is an entry in ClinVar:

NM_001365088.1(SLC12A6):c.1459C>A (p.Leu487Ile)

Gene: SLC12A6 (solute carrier family 12 member 6; minus strand). Cytogenetic location: 15q14.
Variant type: single nucleotide variant.
Coding change: c.1459C>A on transcript NM_001365088.1 (MANE Select); coding-DNA position 1459, C replaced by A.
Protein change: p.Leu487Ile; replaces leucine 487 with isoleucine.
Molecular consequence: missense variant.
Genome position (GRCh38, 1-based): chr15:34,250,932, G>T on the plus strand (C>A on the coding strand, the complement: SLC12A6 is on the minus strand). VCF-style: chr15-34250932-G-T. GRCh37 (hg19) VCF-style: chr15-34543133-G-T.
Other names: c.1282C>A, p.Leu428Ile (NM_001042494.2, NM_001042495.2); c.1432C>A, p.Leu478Ile (NM_001042496.2); c.1414C>A, p.Leu472Ile (NM_001042497.2); c.1306C>A, p.Leu436Ile (NM_005135.2); c.1459C>A, p.Leu487Ile (NM_133647.2); short protein forms L472I, L478I, L428I, L436I, L487I.
Identifiers: ClinVar variation 2006776 (VCV002006776.4), dbSNP rs2509803940, ClinGen allele CA391606156.

ClinVar aggregate classification (germline): Uncertain significance (1 of 4 stars; one submission).

Submission:

Labcorp Genetics (formerly Invitae), Labcorp
Classification: Uncertain significance. Last evaluated: 2023-11-13. Review status: criteria provided, single submitter. Criteria: Invitae Variant Classification Sherloc (09022015). Collection method: clinical testing. Allele origin: germline.
Comment: This sequence change replaces leucine, which is neutral and non-polar, with isoleucine, which is neutral and non-polar, at codon 487 of the SLC12A6 protein (p.Leu487Ile). This variant is not present in population databases (gnomAD no frequency). This variant has not been reported in the literature in individuals affected with SLC12A6-related conditions. ClinVar contains an entry for this variant (Variation ID: 2006776). Advanced modeling of protein sequence and biophysical properties (such as structural, functional, and spatial information, amino acid conservation, physicochemical variation, residue mobility, and thermodynamic stability) performed at Invitae indicates that this missense variant is not expected to disrupt SLC12A6 protein function with a negative predictive value of 80%. In summary, the available evidence is currently insufficient to determine the role of this variant in disease. Therefore, it has been classified as a Variant of Uncertain Significance.